The following is an entry in ClinVar:

NM_000209.4(PDX1):c.651del (p.Gly218fs)

Gene: PDX1 (pancreatic and duodenal homeobox 1; plus strand). Cytogenetic location: 13q12.2.
Variant type: Deletion.
Coding change: c.651del on transcript NM_000209.4 (MANE Select); coding-DNA position 651, one base deleted (T; older notation c.651delT).
Protein change: p.Gly218fs; shifts the reading frame from glycine 218.
Molecular consequence: frameshift variant.
Genome position (GRCh38, 1-based): chr13:27,924,500, T deleted. VCF-style (leftmost placement, unchanged base first): chr13-27924499-GT-G. GRCh37 (hg19) VCF-style: chr13-28498636-GT-G.
Other names: c.651delT (NM_000209.3); short protein forms G218fs.
Identifiers: ClinVar variation 1440161 (VCV001440161.6), dbSNP rs776610329, ClinGen allele CA6927696.

ClinVar aggregate classification (germline): Uncertain significance. Review status: criteria provided, single submitter (1 of 4 stars). 2 submissions from 2 submitters: Uncertain significance (1). 1 of the submissions does not count toward it. Last evaluated 2023-10-04.

Conditions:
Maturity-onset diabetes of the young type 4 (MODY4). Also called: MODY, type IV; Maturity-onset diabetes of the young, type IV. Identifiers: Orphanet 552, MedGen C1833382, MONDO:0011667, OMIM 606392.

Allele frequency attached by ClinVar (database versions not stated): gnomAD exomes below 0.00001 and 0.00001; ExAC 0.00002; TOPMed 0.00002.

Submissions (2):

Labcorp Genetics (formerly Invitae), Labcorp
Classification: Uncertain significance. Last evaluated: 2023-10-04. Review status: criteria provided, single submitter. Criteria: Invitae Variant Classification Sherloc (09022015). Collection method: clinical testing. Allele origin: germline.
Comment: This sequence change creates a premature translational stop signal (p.Gly218Alafs*12) in the PDX1 gene. While this is not anticipated to result in nonsense mediated decay, it is expected to disrupt the last 66 amino acid(s) of the PDX1 protein. This variant is present in population databases (rs776610329, gnomAD 0.003%). This premature translational stop signal has been observed in individual(s) with type 2 diabetes mellitus (PMID: 24464100). ClinVar contains an entry for this variant (Variation ID: 1440161). Experimental studies and prediction algorithms are not available or were not evaluated, and the functional significance of this variant is currently unknown. In summary, the available evidence is currently insufficient to determine the role of this variant in disease. Therefore, it has been classified as a Variant of Uncertain Significance.

Seattle Children's Hospital Molecular Genetics Laboratory, Seattle Children's Hospital
Classification: Likely pathogenic for Maturity-onset diabetes of the young type 4. Review status: no assertion criteria provided. Collection method: clinical testing. Allele origin: somatic. Affected: yes. Not counted in ClinVar's aggregate classification.

Literature cited by the submitters: PubMed 24464100 (cited by Labcorp Genetics (formerly Invitae), Labcorp).